The following is an entry in ClinVar:

NM_000059.4(BRCA2):c.699T>G (p.Phe233Leu)

Gene: BRCA2 (BRCA2 DNA repair associated; plus strand). Cytogenetic location: 13q13.1.
Variant type: single nucleotide variant.
Coding change: c.699T>G on transcript NM_000059.4 (MANE Select); coding-DNA position 699, T replaced by G.
Protein change: p.Phe233Leu; replaces phenylalanine 233 with leucine.
Molecular consequence: missense variant. On other transcripts: non-coding transcript variant (1).
Genome position (GRCh38, 1-based): chr13:32,330,936, T>G. VCF-style: chr13-32330936-T-G. GRCh37 (hg19) VCF-style: chr13-32905073-T-G.
Other names: c.699T>G, p.Phe233Leu (NM_001406719.1, NM_001406720.1, NM_001406721.1); c.330T>G, p.Phe110Leu (NM_001406722.1); short protein forms F110L, F233L.
Identifiers: ClinVar variation 2586279 (VCV002586279.2), dbSNP rs2137461213, ClinGen allele CA387759906.

ClinVar aggregate classification (germline): Uncertain significance (1 of 4 stars; one submission).

Conditions:
Hereditary cancer-predisposing syndrome. Also called: Hereditary neoplastic syndrome; Tumor predisposition; Hereditary Cancer Syndrome; Neoplastic Syndromes, Hereditary. Identifiers: Orphanet 140162, MedGen C0027672, MeSH D009386, MONDO:0015356.

Submission:

Ambry Genetics
Classification: Uncertain significance for Hereditary cancer-predisposing syndrome. Last evaluated: 2023-07-14. Review status: criteria provided, single submitter. Criteria: Ambry Variant Classification Scheme 2023. Collection method: clinical testing. Allele origin: germline.
Comment: The p.F233L variant (also known as c.699T>G), located in coding exon 8 of the BRCA2 gene, results from a T to G substitution at nucleotide position 699. The phenylalanine at codon 233 is replaced by leucine, an amino acid with highly similar properties. This amino acid position is well conserved in available vertebrate species. In addition, this alteration is predicted to be tolerated by in silico analysis. Since supporting evidence is limited at this time, the clinical significance of this alteration remains unclear.